The following is an entry in ClinVar:

ClinVar aggregate classification (germline): Uncertain significance (1 of 4 stars; one submission).

Submission:

Dasa
Classification: Uncertain significance. Last evaluated: 2025-10-27. Review status: criteria provided, single submitter. Criteria: DASA Assertion Criteria. Collection method: clinical testing. Allele origin: germline.
Comment: NM_001330288.2(SMARCC2):c.680A>G (p.Asp227Gly) is a missense variant that results in the substitution of aspartic acid with glycine. This variant is absent from population databases. The currently available literature and clinical evidence are not sufficient to establish a definitive association between this variant and the reported condition. Therefore, this variant is classified as a variant of uncertain significance.

NM_001330288.2(SMARCC2):c.680A>G (p.Asp227Gly)

Gene: SMARCC2 (SWI/SNF related BAF chromatin remodeling complex subunit C2; minus strand). Cytogenetic location: 12q13.2.
Variant type: single nucleotide variant.
Coding change: c.680A>G on transcript NM_001330288.2 (MANE Select); coding-DNA position 680, A replaced by G.
Protein change: p.Asp227Gly; replaces aspartic acid 227 with glycine.
Molecular consequence: missense variant.
Genome position (GRCh38, 1-based): chr12:56,182,032, T>C on the plus strand (A>G on the coding strand, the complement: SMARCC2 is on the minus strand). VCF-style: chr12-56182032-T-C. GRCh37 (hg19) VCF-style: chr12-56575816-T-C.
Other names: c.680A>G, p.Asp227Gly (NM_001130420.3, NM_003075.5, NM_139067.4); short protein forms D227G.
Identifiers: ClinVar variation 5020820 (VCV005020820.1).